The following is an entry in ClinVar:

ClinVar aggregate classification (germline): Uncertain significance (1 of 4 stars; one submission).

gnomAD v4.1: 2 of 1,614,146 alleles (0.00012%); highest among the groups gnomAD compares: Non-Finnish European, 0.00017%; no homozygotes.

Submission:

Women's Health and Genetics/Laboratory Corporation of America, LabCorp
Classification: Uncertain significance. Last evaluated: 2025-11-11. Review status: criteria provided, single submitter. Criteria: LabCorp Variant Classification Summary - May 2015. Collection method: clinical testing. Allele origin: germline.
Comment: Variant summary: HIVEP2 c.6870G>T (p.Leu2290Phe) results in a non-conservative amino acid change in the encoded protein sequence. Algorithms developed to predict the effect of missense changes on protein structure and function are either unavailable or do not agree on the potential impact of this missense change. The variant was absent in 249292 control chromosomes. The available data on variant occurrences in the general population are insufficient to allow any conclusion about variant significance. To our knowledge, no occurrence of c.6870G>T in individuals affected with HIVEP2-related conditions and no experimental evidence demonstrating its impact on protein function have been reported. No submitters have cited clinical-significance assessments for this variant to ClinVar. Based on the evidence outlined above, the variant was classified as uncertain significance.

NM_006734.4(HIVEP2):c.6870G>T (p.Leu2290Phe)

Gene: HIVEP2 (HIVEP zinc finger 2; minus strand). Cytogenetic location: 6q24.2.
Variant type: single nucleotide variant.
Coding change: c.6870G>T on transcript NM_006734.4 (MANE Select); coding-DNA position 6870, G replaced by T.
Protein change: p.Leu2290Phe; replaces leucine 2290 with phenylalanine.
Molecular consequence: missense variant.
Genome position (GRCh38, 1-based): chr6:142,753,578, C>A on the plus strand (G>T on the coding strand, the complement: HIVEP2 is on the minus strand). VCF-style: chr6-142753578-C-A. GRCh37 (hg19) VCF-style: chr6-143074715-C-A.
Other names: c.6870G>T, p.Leu2290Phe (NM_001438449.1, NM_001438450.1, NM_001438451.1); short protein forms L2290F.
Identifiers: ClinVar variation 4536824 (VCV004536824.1).